The following is an entry in ClinVar:

NM_000081.4(LYST):c.4330C>T (p.Pro1444Ser)

Gene: LYST (lysosomal trafficking regulator; minus strand). Cytogenetic location: 1q42.3.
Variant type: single nucleotide variant.
Coding change: c.4330C>T on transcript NM_000081.4 (MANE Select); coding-DNA position 4330, C replaced by T.
Protein change: p.Pro1444Ser; replaces proline 1444 with serine.
Molecular consequence: missense variant.
Genome position (GRCh38, 1-based): chr1:235,791,912, G>A on the plus strand (C>T on the coding strand, the complement: LYST is on the minus strand). VCF-style: chr1-235791912-G-A. GRCh37 (hg19) VCF-style: chr1-235955212-G-A.
Other names: c.4330C>T, p.Pro1444Ser (NM_001301365.1); c.4330C>T (NM_000081.2); short protein forms P1444S.
Identifiers: ClinVar variation 1372295 (VCV001372295.4), dbSNP rs1378497449, ClinGen allele CA344959875.

ClinVar aggregate classification (germline): Uncertain significance. Review status: criteria provided, multiple submitters, no conflicts (2 of 4 stars). 2 submissions from 2 submitters: Uncertain significance (2). Last evaluated 2025-09-28.

Conditions:
Inborn genetic diseases. Identifiers: MedGen C0950123, MeSH D030342.
Chédiak-Higashi syndrome (CHS). Also called: Chediak-Higashi Syndrome. Identifiers: Orphanet 167, MedGen C0007965, MONDO:0008963, OMIM 214500.

Allele frequency attached by ClinVar (database versions not stated): gnomAD exomes below 0.00001; TOPMed 0.00002; gnomAD 0.00004.

Submissions (2):

Ambry Genetics
Classification: Uncertain significance for Inborn genetic diseases. Last evaluated: 2025-09-28. Review status: criteria provided, single submitter. Criteria: Ambry Variant Classification Scheme 2023. Collection method: clinical testing. Allele origin: germline.

Labcorp Genetics (formerly Invitae), Labcorp
Classification: Uncertain significance for Chédiak-Higashi syndrome. Last evaluated: 2022-05-04. Review status: criteria provided, single submitter. Criteria: Invitae Variant Classification Sherloc (09022015). Collection method: clinical testing. Allele origin: germline.
Comment: This sequence change replaces proline, which is neutral and non-polar, with serine, which is neutral and polar, at codon 1444 of the LYST protein (p.Pro1444Ser). This variant is present in population databases (no rsID available, gnomAD 0.02%). This variant has not been reported in the literature in individuals affected with LYST-related conditions. Algorithms developed to predict the effect of missense changes on protein structure and function are either unavailable or do not agree on the potential impact of this missense change (SIFT: "Tolerated"; PolyPhen-2: "Probably Damaging"; Align-GVGD: "Class C0"). In summary, the available evidence is currently insufficient to determine the role of this variant in disease. Therefore, it has been classified as a Variant of Uncertain Significance.